The following is an entry in ClinVar:

NM_014254.3(RXYLT1):c.914+129T>G

Gene: RXYLT1 (ribitol xylosyltransferase 1; plus strand). Cytogenetic location: 12q14.2.
Variant type: single nucleotide variant.
Coding change: c.914+129T>G on transcript NM_014254.3 (MANE Select); 129 bases into the intron after coding-DNA position 914, T replaced by G.
Molecular consequence: intron variant.
Genome position (GRCh38, 1-based): chr12:63,805,533, T>G. VCF-style: chr12-63805533-T-G. GRCh37 (hg19) VCF-style: chr12-64199313-T-G.
Other names: c.134+129T>G (NM_001278237.2).
Identifiers: ClinVar variation 677490 (VCV000677490.1), dbSNP rs77381126, ClinGen allele CA238830531.

ClinVar aggregate classification (germline): Likely benign (1 of 4 stars; one submission).

Allele frequency attached by ClinVar (database versions not stated): 1000 Genomes Project 0.00499; 1000 Genomes Project 30x 0.00609; TOPMed 0.01285; gnomAD 0.01314 and 0.01356.
gnomAD v4.1: 14,523 of 891,712 alleles (1.6%); highest among the groups gnomAD compares: Non-Finnish European, 2%; 165 homozygotes.

Submission:

GeneDx
Classification: Likely benign. Last evaluated: 2018-06-19. Review status: criteria provided, single submitter. Criteria: GeneDx Variant Classification (06012015). Collection method: clinical testing. Allele origin: germline. Affected: yes.
Comment: This variant is considered likely benign or benign based on one or more of the following criteria: it is a conservative change, it occurs at a poorly conserved position in the protein, it is predicted to be benign by multiple in silico algorithms, and/or has population frequency not consistent with disease.